The following is an entry in ClinVar:

NM_001145860.2(POP1):c.3031G>A (p.Ala1011Thr)

Gene: POP1 (POP1 homolog, ribonuclease P/MRP subunit; plus strand). Cytogenetic location: 8q22.2.
Variant type: single nucleotide variant.
Coding change: c.3031G>A on transcript NM_001145860.2 (MANE Select); coding-DNA position 3031, G replaced by A.
Protein change: p.Ala1011Thr; replaces alanine 1011 with threonine.
Molecular consequence: missense variant.
Genome position (GRCh38, 1-based): chr8:98,158,227, G>A. VCF-style: chr8-98158227-G-A. GRCh37 (hg19) VCF-style: chr8-99170455-G-A.
Other names: c.3031G>A, p.Ala1011Thr (NM_001145861.2, NM_015029.3); c.3031G>A (NM_015029.2); short protein forms A1011T.
Identifiers: ClinVar variation 1447321 (VCV001447321.4), dbSNP rs369681593, ClinGen allele CA4820948.

ClinVar aggregate classification (germline): Uncertain significance. Review status: criteria provided, multiple submitters, no conflicts (2 of 4 stars). 2 submissions from 2 submitters: Uncertain significance (2). Last evaluated 2022-06-14.

Conditions:
Inborn genetic diseases. Identifiers: MedGen C0950123, MeSH D030342.

Allele frequency attached by ClinVar (database versions not stated): gnomAD 0.00001; ExAC 0.00002; gnomAD exomes 0.00002; TOPMed 0.00002; ESP Exome Variant Server 0.00008.
gnomAD v4.1: 108 of 1,612,012 alleles (0.0067%); highest among the groups gnomAD compares: Non-Finnish European, 0.0086%; no homozygotes.

Submissions (2):

Labcorp Genetics (formerly Invitae), Labcorp
Classification: Uncertain significance. Last evaluated: 2022-06-14. Review status: criteria provided, single submitter. Criteria: Invitae Variant Classification Sherloc (09022015). Collection method: clinical testing. Allele origin: germline.
Comment: This sequence change replaces alanine, which is neutral and non-polar, with threonine, which is neutral and polar, at codon 1011 of the POP1 protein (p.Ala1011Thr). This variant is present in population databases (rs369681593, gnomAD 0.004%). This variant has not been reported in the literature in individuals affected with POP1-related conditions. Algorithms developed to predict the effect of missense changes on protein structure and function output the following: SIFT: "Tolerated"; PolyPhen-2: "Benign"; Align-GVGD: "Class C0". The threonine amino acid residue is found in multiple mammalian species, which suggests that this missense change does not adversely affect protein function. In summary, the available evidence is currently insufficient to determine the role of this variant in disease. Therefore, it has been classified as a Variant of Uncertain Significance.

Ambry Genetics
Classification: Uncertain significance for Inborn genetic diseases. Last evaluated: 2021-07-09. Review status: criteria provided, single submitter. Criteria: Ambry Variant Classification Scheme 2023. Collection method: clinical testing. Allele origin: germline.